The following is an entry in ClinVar:

ClinVar aggregate classification (germline): Uncertain significance (1 of 4 stars; one submission).

Allele frequency attached by ClinVar (database versions not stated): ExAC 0.00001; gnomAD 0.00001; gnomAD exomes 0.00001; TOPMed 0.00002.
gnomAD v4.1: 15 of 1,613,390 alleles (0.00093%); highest among the groups gnomAD compares: African/African-American, 0.0013%; no homozygotes.

Submission:

Labcorp Genetics (formerly Invitae), Labcorp
Classification: Uncertain significance. Last evaluated: 2025-05-25. Review status: criteria provided, single submitter. Criteria: Invitae Variant Classification Sherloc (09022015). Collection method: clinical testing. Allele origin: germline.
Comment: This sequence change replaces threonine, which is neutral and polar, with methionine, which is neutral and non-polar, at codon 477 of the ATP6V1A protein (p.Thr477Met). This variant is present in population databases (rs752561873, gnomAD 0.02%). This variant has not been reported in the literature in individuals affected with ATP6V1A-related conditions. ClinVar contains an entry for this variant (Variation ID: 2136595). Invitae Evidence Modeling of protein sequence and biophysical properties (such as structural, functional, and spatial information, amino acid conservation, physicochemical variation, residue mobility, and thermodynamic stability) indicates that this missense variant is not expected to disrupt ATP6V1A protein function with a negative predictive value of 80%. In summary, the available evidence is currently insufficient to determine the role of this variant in disease. Therefore, it has been classified as a Variant of Uncertain Significance.

NM_001690.4(ATP6V1A):c.1430C>T (p.Thr477Met)

Gene: ATP6V1A (ATPase H+ transporting V1 subunit A; plus strand). Cytogenetic location: 3q13.31.
Variant type: single nucleotide variant.
Coding change: c.1430C>T on transcript NM_001690.4 (MANE Select); coding-DNA position 1430, C replaced by T.
Protein change: p.Thr477Met; replaces threonine 477 with methionine.
Molecular consequence: missense variant.
Genome position (GRCh38, 1-based): chr3:113,798,382, C>T. VCF-style: chr3-113798382-C-T. GRCh37 (hg19) VCF-style: chr3-113517229-C-T.
Other names: short protein forms T477M.
Identifiers: ClinVar variation 2136595 (VCV002136595.4), dbSNP rs752561873, ClinGen allele CA2548051.